The following is an entry in ClinVar:

ClinVar aggregate classification (germline): Uncertain significance (1 of 4 stars; one submission).

Allele frequency attached by ClinVar (database versions not stated): gnomAD exomes below 0.00001.
gnomAD v4.1: 3 of 1,614,052 alleles (0.00019%); highest among the groups gnomAD compares: Non-Finnish European, 0.00025%; no homozygotes.

Submission:

GeneDx
Classification: Uncertain significance. Last evaluated: 2019-05-15. Review status: criteria provided, single submitter. Criteria: GeneDx Variant Classification Process June 2021. Collection method: clinical testing. Allele origin: germline. Affected: yes.
Comment: Not observed in large population cohorts (Lek et al., 2016); In silico analysis, which includes protein predictors and evolutionary conservation, supports a deleterious effect; Has not been previously published as pathogenic or benign to our knowledge

NM_001270.4(CHD1):c.3346C>T (p.Arg1116Trp)

Gene: CHD1 (chromodomain helicase DNA binding protein 1; minus strand). Cytogenetic location: 5q15.
Variant type: single nucleotide variant.
Coding change: c.3346C>T on transcript NM_001270.4 (MANE Select); coding-DNA position 3346, C replaced by T.
Protein change: p.Arg1116Trp; replaces arginine 1116 with tryptophan.
Molecular consequence: missense variant. On other transcripts: non-coding transcript variant (2).
Genome position (GRCh38, 1-based): chr5:98,876,450, G>A on the plus strand (C>T on the coding strand, the complement: CHD1 is on the minus strand). VCF-style: chr5-98876450-G-A. GRCh37 (hg19) VCF-style: chr5-98212154-G-A.
Other names: c.3346C>T, p.Arg1116Trp (NM_001364113.3, NM_001376194.2); short protein forms R1116W.
Identifiers: ClinVar variation 1305897 (VCV001305897.2), dbSNP rs1749764760, ClinGen allele CA360524868.
Genomic context (GRCh38, chr5:98,876,450, plus strand): 5'-CACCTTACCGCCTAATTTCTGCATCACTAAATCCTTTAATATTCTCCCGAGGAATAGTCC[G>A]TGGTCTTCCACGTTTCTTTGGCCTTTTCCCTTCTGAGATGGAATCACTATCAGATCCAGA-3'
Protein context (NP_001261.2, residues 1106-1126): GKRPKKRGRP[Arg1116Trp]TIPRENIKGF